The following is an entry in ClinVar:

ClinVar aggregate classification (germline): Uncertain significance (3 of 4 stars; one submission).

Conditions:
Glanzmann thrombasthenia. Also called: PLATELET GLYCOPROTEIN IIb-IIIa DEFICIENCY; BLEEDING DISORDER, PLATELET-TYPE, 2; THROMBASTHENIA OF GLANZMANN AND NAEGELI; Thrombasthenia; Glanzmann's thrombasthenia. Identifiers: Orphanet 849, MedGen C0040015, MONDO:0100326.

Submission:

ClinGen Platelet Disorders Variant Curation Expert Panel, ClinGen
Classification: Uncertain significance for Glanzmann thrombasthenia. Last evaluated: 2025-06-19. Review status: reviewed by expert panel. Criteria: ClinGen Platelet ACMG Specifications v2-1. Collection method: curation. Allele origin: germline. Inheritance: Autosomal recessive inheritance.
Comment: The NM_000212.3(ITGB3):c.445T>C (p.Ser149Pro) missense variant has been reported in at least one homozygous patient (PMID:15590407) who displayed mucocutaneous bleeding and impaired aggregation with ADP and collagen but aggregation was not reported for ristocetin. Additionally, flow cytometric analysis showed the presence of normal levels of αIIbβ3 on the patient's platelet surface and the fibrinogen binding study on activated platelets showed normal levels of fibrinogen binding, as such this patient was not considered a confirmed case of Glanzmann thrombasthenia. The variant was not found in gnomAD v4.1 (PM2_supporting). In Silico predictor REVEL gives a score of 0.985, which is above the ClinGen PD VCEP threshold of >0.7 and predicts a damaging effect on function (PP3). In summary, this variant meets the criteria to be classified as uncertain significance, due to insufficient, for autosomal recessive Glanzmann Thrombasthenia based on the ACMG/AMP criteria applied, as specified by the ClinGen PD VCEP: PP3, PM2_supporting (VCEP specifications version 2.1).

NM_000212.3(ITGB3):c.445T>C (p.Ser149Pro)

Gene: ITGB3 (integrin subunit beta 3; plus strand). Cytogenetic location: 17q21.32.
Variant type: single nucleotide variant.
Coding change: c.445T>C on transcript NM_000212.3 (MANE Select); coding-DNA position 445, T replaced by C.
Protein change: p.Ser149Pro; replaces serine 149 with proline.
Molecular consequence: missense variant.
Genome position (GRCh38, 1-based): chr17:47,284,526, T>C. VCF-style: chr17-47284526-T-C. GRCh37 (hg19) VCF-style: chr17-45361892-T-C.
Other names: NM_000212.3:c.445T>C; short protein forms S149P.
Identifiers: ClinVar variation 1879057 (VCV001879057.2), dbSNP rs2547616334, ClinGen allele CA400021997.